The following is an entry in ClinVar:

ClinVar aggregate classification (germline): Benign. Review status: criteria provided, multiple submitters, no conflicts (2 of 4 stars). 2 submissions from 2 submitters: Benign (2). Last evaluated 2016-03-29.

Allele frequency attached by ClinVar (database versions not stated): gnomAD exomes 0.97030 and 0.98932; ExAC 0.97398; ESP Exome Variant Server 0.99900; 1000 Genomes Project 30x 0.95378; TOPMed 0.98198; gnomAD 0.98937 and 0.98656; 1000 Genomes Project 0.94768.
gnomAD v4.1: 1,595,647 of 1,613,306 alleles (99%); highest among the groups gnomAD compares: Non-Finnish European, 100%; 790,801 homozygotes.

Submissions (2):

Laboratory for Molecular Medicine, Mass General Brigham Personalized Medicine
Classification: Benign. Last evaluated: 2016-03-29. Review status: criteria provided, single submitter. Criteria: LMM Criteria. Collection method: clinical testing. Allele origin: germline.
Comment: Variant identified in a genome or exome case(s) and assessed due to predicted null impact of the variant or pathogenic assertions in the literature or databases. Disclaimer: This variant has not undergone full assessment. The following are preliminary notes: MAF

Breakthrough Genomics
Classification: Benign. Review status: criteria provided, single submitter. Criteria: ACMG Guidelines, 2015. Collection method: not provided. Allele origin: germline. Inheritance: Unknown mechanism. Affected: yes.

NC_000008.11:g.144519798T>C

Genes: LRRC14 (leucine rich repeat containing 14; plus strand), RECQL4 (RecQ like helicase 4; minus strand). Cytogenetic location: 8q24.3.
Variant type: single nucleotide variant.
Molecular consequence: synonymous variant (on NM_014665.4).
Genome position: GRCh38 VCF-style: chr8-144519798-T-C. GRCh37 (hg19) VCF-style: chr8-145745182-T-C.
Other names: c.73T>C, p.Leu25= (NM_001272036.2, NM_014665.4).
Identifiers: ClinVar variation 403369 (VCV000403369.6), dbSNP rs2721172, ClinGen allele CA4949535.